The following is an entry in ClinVar:

NM_133642.5(LARGE1):c.508T>G (p.Phe170Val)

Gene: LARGE1 (LARGE xylosyl- and glucuronyltransferase 1; minus strand). Cytogenetic location: 22q12.3.
Variant type: single nucleotide variant.
Coding change: c.508T>G on transcript NM_133642.5 (MANE Select); coding-DNA position 508, T replaced by G.
Protein change: p.Phe170Val; replaces phenylalanine 170 with valine.
Molecular consequence: missense variant.
Genome position (GRCh38, 1-based): chr22:33,604,542, A>C on the plus strand (T>G on the coding strand, the complement: LARGE1 is on the minus strand). VCF-style: chr22-33604542-A-C. GRCh37 (hg19) VCF-style: chr22-34000528-A-C.
Other names: c.508T>G, p.Phe170Val (NM_001362949.2, NM_001362951.2, NM_001362953.2 and 7 more transcripts); short protein forms F170V.
Identifiers: ClinVar variation 3707902 (VCV003707902.2).
Genomic context (GRCh38, chr22:33,604,542, plus strand): 5'-TCCAGGTCTGGAAGAGCGTGGCCAGGATCTGCTCCGCAATGGAGTCAGCAATAAGGTGGA[A>C]GTGCAGAGGGTTCCGTCTGTGGGGAGTGTGAGAAGGAAGGGTCAGGTGGAGAGGTACGGC-3'
Protein context (NP_598397.1, residues 160-180): VLFHRRNPLH[Phe170Val]HLIADSIAEQ

ClinVar aggregate classification (germline): Uncertain significance (1 of 4 stars; one submission).

Conditions:
Muscular dystrophy-dystroglycanopathy type B6 (MDDGB6). Also called: MUSCULAR DYSTROPHY-DYSTROGLYCANOPATHY (CONGENITAL WITH IMPAIRED INTELLECTUAL DEVELOPMENT), TYPE B, 6; MUSCULAR DYSTROPHY, CONGENITAL, LARGE-RELATED; MUSCULAR DYSTROPHY, CONGENITAL, TYPE 1D. Identifiers: MedGen C1837229, MONDO:0012138, OMIM 608840.

Submission:

Labcorp Genetics (formerly Invitae), Labcorp
Classification: Uncertain significance for Muscular dystrophy-dystroglycanopathy type B6. Last evaluated: 2026-01-14. Review status: criteria provided, single submitter. Criteria: Invitae Variant Classification Sherloc (09022015). Collection method: clinical testing. Allele origin: germline.
Comment: This sequence change replaces phenylalanine, which is neutral and non-polar, with valine, which is neutral and non-polar, at codon 170 of the LARGE1 protein (p.Phe170Val). This variant is not present in population databases (gnomAD no frequency). This variant has not been reported in the literature in individuals affected with LARGE1-related conditions. ClinVar contains an entry for this variant (Variation ID: 3707902). Invitae Evidence Modeling of protein sequence and biophysical properties (such as structural, functional, and spatial information, amino acid conservation, physicochemical variation, residue mobility, and thermodynamic stability) has been performed for this missense variant. However, the output from this modeling did not meet the statistical confidence thresholds required to predict the impact of this variant on LARGE1 protein function. In summary, the available evidence is currently insufficient to determine the role of this variant in disease. Therefore, it has been classified as a Variant of Uncertain Significance.